The following is an entry in ClinVar:

ClinVar aggregate classification (germline): Uncertain significance (1 of 4 stars; one submission).

Submission:

GeneDx
Classification: Uncertain significance. Last evaluated: 2024-05-30. Review status: criteria provided, single submitter. Criteria: GeneDx Variant Classification Process June 2021. Collection method: clinical testing. Allele origin: germline. Affected: yes.
Comment: Not observed at significant frequency in large population cohorts (gnomAD); In silico analysis indicates that this missense variant does not alter protein structure/function; In silico analysis suggests this variant may impact gene splicing. In the absence of RNA/functional studies, the actual effect of this sequence change is unknown.; Has not been previously published as pathogenic or benign to our knowledge

NM_016628.5(WAC):c.635C>A (p.Ala212Asp)

Gene: WAC (WW domain containing adaptor with coiled-coil; plus strand). Cytogenetic location: 10p12.1.
Variant type: single nucleotide variant.
Coding change: c.635C>A on transcript NM_016628.5 (MANE Select); coding-DNA position 635, C replaced by A.
Protein change: p.Ala212Asp; replaces alanine 212 with aspartic acid.
Molecular consequence: missense variant. On other transcripts: intron variant (1).
Genome position (GRCh38, 1-based): chr10:28,595,757, C>A. VCF-style: chr10-28595757-C-A. GRCh37 (hg19) VCF-style: chr10-28884686-C-A.
Other names: c.500C>A, p.Ala167Asp (NM_100264.3); c.610+4925C>A (NM_100486.4); short protein forms A167D, A212D.
Identifiers: ClinVar variation 3383881 (VCV003383881.1).